The following is an entry in ClinVar:

ClinVar aggregate classification (germline): Likely benign. Review status: criteria provided, multiple submitters, no conflicts (2 of 4 stars). 3 submissions from 3 submitters: Likely benign (3). Last evaluated 2025-09-08.

Conditions:
Symmetrical dyschromatosis of extremities (DSH). Also called: RETICULATE ACROPIGMENTATION OF DOHI; SYMMETRIC DYSCHROMATOSIS OF THE EXTREMITIES; DYSCHROMATOSIS SYMMETRICA HEREDITARIA 1; Dyschromatosis symmetrica hereditaria. Identifiers: Orphanet 41, MedGen C0406775, MONDO:0007483, OMIM 127400.
Aicardi-Goutieres syndrome 6 (AGS6). Identifiers: Orphanet 51, MedGen C3539013, MONDO:0014007, OMIM 615010.

Allele frequency attached by ClinVar (database versions not stated): TOPMed below 0.00001; gnomAD 0.00001; gnomAD exomes 0.00001.
gnomAD v4.1: 6 of 1,614,126 alleles (0.00037%); highest among the groups gnomAD compares: Middle Eastern, 0.016%; no homozygotes.

Submissions (3):

Labcorp Genetics (formerly Invitae), Labcorp
Classification: Likely benign for Aicardi-Goutieres syndrome 6; Symmetrical dyschromatosis of extremities. Last evaluated: 2025-09-08. Review status: criteria provided, single submitter. Criteria: Invitae Variant Classification Sherloc (09022015). Collection method: clinical testing. Allele origin: germline.

CeGaT Center for Human Genetics Tuebingen
Classification: Likely benign. Last evaluated: 2023-09-01. Review status: criteria provided, single submitter. Criteria: CeGaT Center For Human Genetics Tuebingen Variant Classification Criteria Version 2. Collection method: clinical testing. Allele origin: germline. Affected: yes. Observed: 1 variant allele.
Comment: ADAR: BP4, BP7

Blueprint Genetics
Classification: Likely benign. Last evaluated: 2020-07-28. Review status: criteria provided, single submitter. Criteria: ACMG Guidelines, 2015. Collection method: clinical testing. Allele origin: germline.

NM_001111.5(ADAR):c.474A>C (p.Ala158=)

Gene: ADAR (adenosine deaminase RNA specific; minus strand). Cytogenetic location: 1q21.3.
Variant type: single nucleotide variant.
Coding change: c.474A>C on transcript NM_001111.5 (MANE Select); coding-DNA position 474, A replaced by C.
Protein change: p.Ala158=; no amino-acid change (alanine 158 retained).
Molecular consequence: synonymous variant. On other transcripts: 5 prime UTR variant (6).
Genome position (GRCh38, 1-based): chr1:154,602,168, T>G on the plus strand (A>C on the coding strand, the complement: ADAR is on the minus strand). VCF-style: chr1-154602168-T-G. GRCh37 (hg19) VCF-style: chr1-154574644-T-G.
Other names: c.-412A>C (NM_001025107.3, NM_001193495.2, NM_001365046.1 and 3 more transcripts); c.501A>C, p.Ala167= (NM_001365045.1); c.474A>C, p.Ala158= (NM_015840.4, NM_015841.4).
Identifiers: ClinVar variation 1635681 (VCV001635681.32), dbSNP rs1434133622, ClinGen allele CA421225485.
Genomic context (GRCh38, chr1:154,602,168, plus strand): 5'-GGAGTATAAAACTCGATTGATTTCTTTCTTCGGAGTCCCAAGTTTCCCAGACAGATCATG[T>G]GCTGTGGTGGCCTTCCCTTCCCCAAGCTCTTCCAGGAACTTTAAGATCCTTTGTTCCTGA-3'
Protein context (NP_001102.3, residues 148-168): EELGEGKATT[Ala158=]HDLSGKLGTP